The following is an entry in ClinVar:

ClinVar aggregate classification (germline): Uncertain significance (1 of 4 stars; one submission).

Conditions:
Neuroblastoma, susceptibility to, 3. Also called: ALK-Related Neuroblastic Tumor Susceptibility. Identifiers: Orphanet 635, MedGen C2751681, MONDO:0013083, OMIM 613014.

Allele frequency attached by ClinVar (database versions not stated): gnomAD exomes below 0.00001.
gnomAD v4.1: 1 of 1,614,184 alleles (0.000062%); highest among the groups gnomAD compares: Non-Finnish European, 0.000085%; no homozygotes.

Submission:

Labcorp Genetics (formerly Invitae), Labcorp
Classification: Uncertain significance for Neuroblastoma, susceptibility to, 3. Last evaluated: 2023-05-22. Review status: criteria provided, single submitter. Criteria: Invitae Variant Classification Sherloc (09022015). Collection method: clinical testing. Allele origin: germline.
Comment: This sequence change replaces arginine, which is basic and polar, with glycine, which is neutral and non-polar, at codon 373 of the ALK protein (p.Arg373Gly). This variant is not present in population databases (gnomAD no frequency). This variant has not been reported in the literature in individuals affected with ALK-related conditions. An algorithm developed to predict the effect of missense changes on protein structure and function (PolyPhen-2) suggests that this variant is likely to be tolerated. In summary, the available evidence is currently insufficient to determine the role of this variant in disease. Therefore, it has been classified as a Variant of Uncertain Significance.

NM_004304.5(ALK):c.1117A>G (p.Arg373Gly)

Gene: ALK (ALK receptor tyrosine kinase; minus strand). Cytogenetic location: 2p23.2.
Variant type: single nucleotide variant.
Coding change: c.1117A>G on transcript NM_004304.5 (MANE Select); coding-DNA position 1117, A replaced by G.
Protein change: p.Arg373Gly; replaces arginine 373 with glycine.
Molecular consequence: missense variant.
Genome position (GRCh38, 1-based): chr2:29,531,952, T>C on the plus strand (A>G on the coding strand, the complement: ALK is on the minus strand). VCF-style: chr2-29531952-T-C. GRCh37 (hg19) VCF-style: chr2-29754818-T-C.
Other names: short protein forms R373G.
Identifiers: ClinVar variation 2988660 (VCV002988660.3), dbSNP rs2465284188, ClinGen allele CA346587241.